The following is an entry in ClinVar:

ClinVar aggregate classification (germline): Uncertain significance. Review status: criteria provided, single submitter (1 of 4 stars). 2 submissions from 2 submitters: Uncertain significance (1). 1 of the submissions does not count toward it. Last evaluated 2023-07-27.

Allele frequency attached by ClinVar (database versions not stated): gnomAD exomes 0.00002; TOPMed below 0.00001.
gnomAD v4.1: 22 of 1,614,228 alleles (0.0014%); highest among the groups gnomAD compares: Non-Finnish European, 0.0019%; no homozygotes.

Submissions (2):

Women's Health and Genetics/Laboratory Corporation of America, LabCorp
Classification: Uncertain significance. Last evaluated: 2023-07-27. Review status: criteria provided, single submitter. Criteria: LabCorp Variant Classification Summary - May 2015. Collection method: clinical testing. Allele origin: germline.
Comment: Variant summary: F11 c.452A>G (p.Tyr151Cys) results in a non-conservative amino acid change located in the Apple domain (IPR000177) of the encoded protein sequence. Four of five in-silico tools predict a damaging effect of the variant on protein function. The variant was absent in 251302 control chromosomes (gnomAD). The available data on variant occurrences in the general population are insufficient to allow any conclusion about variant significance. c.452A>G has been reported in the literature in at-least one compound heterozygous and several heterozygous individuals affected with Hereditary factor XI deficiency disease (example: Hill_F2005, Mitchell_2006). These data do not allow any conclusion about variant significance. To our knowledge, no experimental evidence demonstrating an impact on protein function has been reported. The following publications have been ascertained in the context of this evaluation (PMID: 15953011, 16835901). No submitters have cited clinical-significance assessments for this variant to ClinVar after 2014. Based on the evidence outlined above, the variant was classified as uncertain significance.

UniProtKB/Swiss-Prot
No classification provided. Review status: no classification provided. Collection method: not provided. Allele origin: not provided. Not counted in ClinVar's aggregate classification.

Literature cited by the submitters: PubMed 15953011 (cited by Women's Health and Genetics/Laboratory Corporation of America, LabCorp); PubMed 16835901 (cited by Women's Health and Genetics/Laboratory Corporation of America, LabCorp).

NM_000128.4(F11):c.452A>G (p.Tyr151Cys)

Gene: F11 (coagulation factor XI; plus strand). Cytogenetic location: 4q35.2.
Variant type: single nucleotide variant.
Coding change: c.452A>G on transcript NM_000128.4 (MANE Select); coding-DNA position 452, A replaced by G.
Protein change: p.Tyr151Cys; replaces tyrosine 151 with cysteine.
Molecular consequence: missense variant.
Genome position (GRCh38, 1-based): chr4:186,274,242, A>G. VCF-style: chr4-186274242-A-G. GRCh37 (hg19) VCF-style: chr4-187195396-A-G.
Other names: c.452A>G, p.Tyr151Cys (NM_001354804.2); short protein forms Y151C.
Identifiers: ClinVar variation 68194 (VCV000068194.2), dbSNP rs281875273, ClinGen allele CA219142.